The following is an entry in ClinVar:

NM_000059.4(BRCA2):c.316+3A>C

Gene: BRCA2 (BRCA2 DNA repair associated; plus strand). Cytogenetic location: 13q13.1.
Variant type: single nucleotide variant.
Coding change: c.316+3A>C on transcript NM_000059.4 (MANE Select); 3 bases into the intron after coding-DNA position 316, A replaced by C.
Molecular consequence: intron variant.
Genome position (GRCh38, 1-based): chr13:32,319,328, A>C. VCF-style: chr13-32319328-A-C. GRCh37 (hg19) VCF-style: chr13-32893465-A-C.
Identifiers: ClinVar variation 655815 (VCV000655815.7), dbSNP rs1555280438, ClinGen allele CA915946931.
Genomic context (GRCh38, chr13:32,319,328, plus strand): 5'-ACTCTGCCGCTGTACCAATCTCCTGTAAAAGAATTAGATAAATTCAAATTAGACTTAGGT[A>C]AGTAATGCAATATGGTAGACTGGGGAGAACTACAAACTAGGAATTTAGGCAAACCTGTGT-3'

ClinVar aggregate classification (germline): Uncertain significance (1 of 4 stars; one submission).

Conditions:
Hereditary breast ovarian cancer syndrome. Also called: Hereditary breast and ovarian cancer; Hereditary breast and/or ovarian cancer syndrome; Breast and ovarian cancer; BRCA1- and BRCA2-Associated Hereditary Breast and Ovarian Cancer; Hereditary breast and ovarian cancer syndrome; Hereditary breast and ovarian cancer syndrome (HBOC). Identifiers: Orphanet 145, MedGen C0677776, MeSH D061325, MONDO:0003582. Disease mechanism: loss of function.

Submission:

Labcorp Genetics (formerly Invitae), Labcorp
Classification: Uncertain significance for Hereditary breast ovarian cancer syndrome. Last evaluated: 2018-12-04. Review status: criteria provided, single submitter. Criteria: Invitae Variant Classification Sherloc (09022015). Collection method: clinical testing. Allele origin: germline.
Comment: This sequence change falls in intron 3 of the BRCA2 gene. It does not directly change the encoded amino acid sequence of the BRCA2 protein, but it affects a nucleotide within the consensus splice site of the intron. In summary, the available evidence is currently insufficient to determine the role of this variant in disease. Therefore, it has been classified as a Variant of Uncertain Significance. Nucleotide substitutions within the consensus splice site are a relatively common cause of aberrant splicing (PMID: 17576681, 9536098). Algorithms developed to predict the effect of sequence changes on RNA splicing suggest that this variant may disrupt the consensus splice site, but this prediction has not been confirmed by published transcriptional studies. This variant has not been reported in the literature in individuals with BRCA2-related disease. This variant is not present in population databases (ExAC no frequency).

Literature cited by the submitters: PubMed 17576681; PubMed 9536098.